The following is an entry in ClinVar:

NM_152564.5(VPS13B):c.5266A>G (p.Met1756Val)

Gene: VPS13B (vacuolar protein sorting 13 homolog B; plus strand). Cytogenetic location: 8q22.2.
Variant type: single nucleotide variant.
Coding change: c.5266A>G on transcript NM_152564.5 (MANE Select); coding-DNA position 5266, A replaced by G.
Protein change: p.Met1756Val; replaces methionine 1756 with valine.
Molecular consequence: missense variant.
Genome position (GRCh38, 1-based): chr8:99,641,856, A>G. VCF-style: chr8-99641856-A-G. GRCh37 (hg19) VCF-style: chr8-100654084-A-G.
Other names: c.5341A>G, p.Met1781Val (NM_017890.5); short protein forms M1756V, M1781V.
Identifiers: ClinVar variation 2106766 (VCV002106766.4), dbSNP rs973340018, ClinGen allele CA183013504.
Genomic context (GRCh38, chr8:99,641,856, plus strand): 5'-ACTTTTTTCTTACAGATCTCTAAACAAGAACAGAAAAAAGTGGATATATTTGATGGAGGC[A>G]TGGCTGAAACCTCATCTCGCTACAGTGGTGCTCAGGATAGTGGAATTGGCAGTGACAGTG-3'
Protein context (NP_689777.3, residues 1746-1766): QKKVDIFDGG[Met1756Val]AETSSRYSGA

ClinVar aggregate classification (germline): Uncertain significance (1 of 4 stars; one submission).

Conditions:
Cohen syndrome (COH1). Also called: Cutis verticis gyrata, retinitis pigmentosa, and sensorineural deafness; PEPPER SYNDROME. Identifiers: Orphanet 193, MedGen C0265223, MONDO:0008999, OMIM 216550.

Allele frequency attached by ClinVar (database versions not stated): TOPMed below 0.00001.

Submission:

Labcorp Genetics (formerly Invitae), Labcorp
Classification: Uncertain significance for Cohen syndrome. Last evaluated: 2022-04-17. Review status: criteria provided, single submitter. Criteria: Invitae Variant Classification Sherloc (09022015). Collection method: clinical testing. Allele origin: germline.
Comment: This sequence change replaces methionine, which is neutral and non-polar, with valine, which is neutral and non-polar, at codon 1781 of the VPS13B protein (p.Met1781Val). In summary, the available evidence is currently insufficient to determine the role of this variant in disease. Therefore, it has been classified as a Variant of Uncertain Significance. Algorithms developed to predict the effect of missense changes on protein structure and function output the following: SIFT: "Not Available"; PolyPhen-2: "Benign"; Align-GVGD: "Not Available". The valine amino acid residue is found in multiple mammalian species, which suggests that this missense change does not adversely affect protein function. This variant has not been reported in the literature in individuals affected with VPS13B-related conditions. This variant is not present in population databases (gnomAD no frequency).